The following is an entry in ClinVar:

NM_003705.5(SLC25A12):c.266C>T (p.Ser89Phe)

Gene: SLC25A12 (solute carrier family 25 member 12; minus strand). Cytogenetic location: 2q31.1.
Variant type: single nucleotide variant.
Coding change: c.266C>T on transcript NM_003705.5 (MANE Select); coding-DNA position 266, C replaced by T.
Protein change: p.Ser89Phe; replaces serine 89 with phenylalanine.
Molecular consequence: missense variant.
Genome position (GRCh38, 1-based): chr2:171,855,893, G>A on the plus strand (C>T on the coding strand, the complement: SLC25A12 is on the minus strand). VCF-style: chr2-171855893-G-A. GRCh37 (hg19) VCF-style: chr2-172712403-G-A.
Other names: short protein forms S89F.
Identifiers: ClinVar variation 3639553 (VCV003639553.2).

ClinVar aggregate classification (germline): Uncertain significance (1 of 4 stars; one submission).

Submission:

Labcorp Genetics (formerly Invitae), Labcorp
Classification: Uncertain significance. Last evaluated: 2024-02-14. Review status: criteria provided, single submitter. Criteria: Invitae Variant Classification Sherloc (09022015). Collection method: clinical testing. Allele origin: germline.
Comment: This sequence change replaces serine, which is neutral and polar, with phenylalanine, which is neutral and non-polar, at codon 89 of the SLC25A12 protein (p.Ser89Phe). This variant is not present in population databases (gnomAD no frequency). This variant has not been reported in the literature in individuals affected with SLC25A12-related conditions. Advanced modeling of protein sequence and biophysical properties (such as structural, functional, and spatial information, amino acid conservation, physicochemical variation, residue mobility, and thermodynamic stability) performed at Invitae indicates that this missense variant is expected to disrupt SLC25A12 protein function with a positive predictive value of 80%. In summary, the available evidence is currently insufficient to determine the role of this variant in disease. Therefore, it has been classified as a Variant of Uncertain Significance.